The following is an entry in ClinVar:

NM_025233.7(COASY):c.1560C>G (p.Ser520Arg)

Gene: COASY (Coenzyme A synthase; plus strand). Cytogenetic location: 17q21.2.
Variant type: single nucleotide variant.
Coding change: c.1560C>G on transcript NM_025233.7 (MANE Select); coding-DNA position 1560, C replaced by G.
Protein change: p.Ser520Arg; replaces serine 520 with arginine.
Molecular consequence: missense variant.
Genome position (GRCh38, 1-based): chr17:42,565,733, C>G. VCF-style: chr17-42565733-C-G. GRCh37 (hg19) VCF-style: chr17-40717751-C-G.
Other names: c.1560C>G, p.Ser520Arg (NM_001042529.3); c.1647C>G, p.Ser549Arg (NM_001042532.4); short protein forms S520R, S549R.
Identifiers: ClinVar variation 4538180 (VCV004538180.1).

ClinVar aggregate classification (germline): Uncertain significance (1 of 4 stars; one submission).

gnomAD v4.1: 13 of 1,613,780 alleles (0.00081%); highest among the groups gnomAD compares: Admixed American, 0.0017%; no homozygotes.

Submission:

GeneDx
Classification: Uncertain significance. Last evaluated: 2025-06-15. Review status: criteria provided, single submitter. Criteria: GeneDx Variant Classification Process June 2021. Collection method: clinical testing. Allele origin: germline. Affected: yes.
Comment: Not observed at significant frequency in large population cohorts (gnomAD); In silico analysis supports that this missense variant has a deleterious effect on protein structure/function; Has not been previously published as pathogenic or benign to our knowledge